The following is an entry in ClinVar:

NM_001253697.2(ERBIN):c.3109C>G (p.Arg1037Gly)

Gene: ERBIN (erbb2 interacting protein; plus strand). Cytogenetic location: 5q12.3.
Variant type: single nucleotide variant.
Coding change: c.3109C>G on transcript NM_001253697.2 (MANE Select); coding-DNA position 3109, C replaced by G.
Protein change: p.Arg1037Gly; replaces arginine 1037 with glycine.
Molecular consequence: missense variant.
Genome position (GRCh38, 1-based): chr5:66,054,427, C>G. VCF-style: chr5-66054427-C-G. GRCh37 (hg19) VCF-style: chr5-65350255-C-G.
Other names: c.3109C>G, p.Arg1037Gly (NM_001006600.3, NM_001253698.2, NM_001253699.2 and 1 more transcripts); c.3097C>G, p.Arg1033Gly (NM_001253701.2); short protein forms R1033G, R1037G.
Identifiers: ClinVar variation 2049933 (VCV002049933.4), dbSNP rs1025269718, ClinGen allele CA119868438.

ClinVar aggregate classification (germline): Uncertain significance (1 of 4 stars; one submission).

Submission:

Labcorp Genetics (formerly Invitae), Labcorp
Classification: Uncertain significance. Last evaluated: 2021-12-20. Review status: criteria provided, single submitter. Criteria: Invitae Variant Classification Sherloc (09022015). Collection method: clinical testing. Allele origin: germline.
Comment: In summary, the available evidence is currently insufficient to determine the role of this variant in disease. Therefore, it has been classified as a Variant of Uncertain Significance. Algorithms developed to predict the effect of missense changes on protein structure and function are either unavailable or do not agree on the potential impact of this missense change (SIFT: "Tolerated"; PolyPhen-2: "Possibly Damaging"; Align-GVGD: "Class C0"). This variant has not been reported in the literature in individuals affected with ERBIN-related conditions. This variant is not present in population databases (gnomAD no frequency). This sequence change replaces arginine, which is basic and polar, with glycine, which is neutral and non-polar, at codon 1037 of the ERBIN protein (p.Arg1037Gly).